The following is an entry in ClinVar:

NM_030777.4(SLC2A10):c.1192C>G (p.Pro398Ala)

Gene: SLC2A10 (solute carrier family 2 member 10; plus strand). Cytogenetic location: 20q13.12.
Variant type: single nucleotide variant.
Coding change: c.1192C>G on transcript NM_030777.4 (MANE Select); coding-DNA position 1192, C replaced by G.
Protein change: p.Pro398Ala; replaces proline 398 with alanine.
Molecular consequence: missense variant.
Genome position (GRCh38, 1-based): chr20:46,726,228, C>G. VCF-style: chr20-46726228-C-G. GRCh37 (hg19) VCF-style: chr20-45354867-C-G.
Other names: short protein forms P398A.
Identifiers: ClinVar variation 1745236 (VCV001745236.2), dbSNP rs1001679023, ClinGen allele CA409269692.

ClinVar aggregate classification (germline): Uncertain significance (1 of 4 stars; one submission).

Conditions:
Familial thoracic aortic aneurysm and aortic dissection (TAAD). Also called: Thoracic aortic aneurysms and dissections. Identifiers: Orphanet 91387, MedGen C4707243, MONDO:0019625.

gnomAD v4.1: 3 of 1,613,872 alleles (0.00019%); highest among the groups gnomAD compares: Middle Eastern, 0.049%; no homozygotes.

Submission:

Ambry Genetics
Classification: Uncertain significance for Familial thoracic aortic aneurysm and aortic dissection. Last evaluated: 2021-07-12. Review status: criteria provided, single submitter. Criteria: Ambry Variant Classification Scheme 2023. Collection method: clinical testing. Allele origin: germline.
Comment: The p.P398A variant (also known as c.1192C>G), located in coding exon 2 of the SLC2A10 gene, results from a C to G substitution at nucleotide position 1192. The proline at codon 398 is replaced by alanine, an amino acid with highly similar properties. This amino acid position is conserved. In addition, this alteration is predicted to be tolerated by in silico analysis. Since supporting evidence is limited at this time, the clinical significance of this alteration remains unclear.